The following is an entry in ClinVar:

ClinVar aggregate classification (germline): Likely pathogenic (1 of 4 stars; one submission).

Submission:

CeGaT Center for Human Genetics Tuebingen
Classification: Likely pathogenic. Last evaluated: 2025-11-01. Review status: criteria provided, single submitter. Criteria: CeGaT Center For Human Genetics Tuebingen Variant Classification Criteria Version 2. Collection method: clinical testing. Allele origin: germline. Affected: yes. Observed: 3 variant alleles.
Comment: KCNA1: PM2, PS4:Moderate, PP1, PP3

NM_000217.3(KCNA1):c.893G>C (p.Arg298Thr)

Gene: KCNA1 (potassium voltage-gated channel subfamily A member 1; plus strand). Cytogenetic location: 12p13.32.
Variant type: single nucleotide variant.
Coding change: c.893G>C on transcript NM_000217.3 (MANE Select); coding-DNA position 893, G replaced by C.
Protein change: p.Arg298Thr; replaces arginine 298 with threonine.
Molecular consequence: missense variant.
Genome position (GRCh38, 1-based): chr12:4,912,271, G>C. VCF-style: chr12-4912271-G-C. GRCh37 (hg19) VCF-style: chr12-5021437-G-C.
Other names: short protein forms R298T.
Identifiers: ClinVar variation 1176598 (VCV001176598.35), dbSNP rs2137673691, ClinGen allele CA383455571.
Genomic context (GRCh38, chr12:4,912,271, plus strand): 5'-GAAACCAGAAGGGCGAGCAGGCCACCTCCCTGGCCATCCTCAGGGTCATCCGCTTGGTAA[G>C]GGTTTTTAGAATCTTCAAGCTCTCCCGCCACTCTAAGGGCCTCCAGATCCTGGGCCAGAC-3'
Protein context (NP_000208.2, residues 288-308): LAILRVIRLV[Arg298Thr]VFRIFKLSRH